The following is an entry in ClinVar:

ClinVar aggregate classification (germline): Uncertain significance. Review status: criteria provided, multiple submitters, no conflicts (2 of 4 stars). 3 submissions from 3 submitters: Uncertain significance (3). Last evaluated 2023-10-08.

Conditions:
Hereditary cancer-predisposing syndrome. Also called: Hereditary Cancer Syndrome; Hereditary neoplastic syndrome; Neoplastic Syndromes, Hereditary; Tumor predisposition. Identifiers: Orphanet 140162, MedGen C0027672, MeSH D009386, MONDO:0015356.
Tuberous sclerosis syndrome (TSC). Also called: Tuberous sclerosis; Tuberous Sclerosis Complex. Identifiers: Orphanet 805, MedGen C0041341, MONDO:0001734.
Tuberous sclerosis 1 (TSC1). Identifiers: Orphanet 805, MedGen C1854465, MONDO:0008612, OMIM 191100.

Allele frequency attached by ClinVar (database versions not stated): gnomAD exomes below 0.00001; gnomAD 0.00001.
gnomAD v4.1: 2 of 1,613,886 alleles (0.00012%); highest among the groups gnomAD compares: South Asian, 0.0022%; no homozygotes.

Submissions (3):

Labcorp Genetics (formerly Invitae), Labcorp
Classification: Uncertain significance for Tuberous sclerosis 1. Last evaluated: 2023-10-08. Review status: criteria provided, single submitter. Criteria: Invitae Variant Classification Sherloc (09022015). Collection method: clinical testing. Allele origin: germline.
Comment: This sequence change replaces threonine, which is neutral and polar, with serine, which is neutral and polar, at codon 62 of the TSC1 protein (p.Thr62Ser). This variant is not present in population databases (gnomAD no frequency). This variant has not been reported in the literature in individuals affected with TSC1-related conditions. Advanced modeling of protein sequence and biophysical properties (such as structural, functional, and spatial information, amino acid conservation, physicochemical variation, residue mobility, and thermodynamic stability) performed at Invitae indicates that this missense variant is not expected to disrupt TSC1 protein function. In summary, the available evidence is currently insufficient to determine the role of this variant in disease. Therefore, it has been classified as a Variant of Uncertain Significance.

Ambry Genetics
Classification: Uncertain significance for Hereditary cancer-predisposing syndrome. Last evaluated: 2023-10-05. Review status: criteria provided, single submitter. Criteria: Ambry Variant Classification Scheme 2023. Collection method: clinical testing. Allele origin: germline.
Comment: The p.T62S variant (also known as c.185C>G), located in coding exon 2 of the TSC1 gene, results from a C to G substitution at nucleotide position 185. The threonine at codon 62 is replaced by serine, an amino acid with similar properties. This amino acid position is not well conserved in available vertebrate species. In addition, this alteration is predicted to be tolerated by in silico analysis. Since supporting evidence is limited at this time, the clinical significance of this alteration remains unclear.

All of Us Research Program, National Institutes of Health
Classification: Uncertain significance for Tuberous sclerosis syndrome. Last evaluated: 2023-02-24. Review status: criteria provided, single submitter. Criteria: ACMG Guidelines, 2015. Collection method: clinical testing. Allele origin: germline. Inheritance: Autosomal dominant inheritance. Observed: 1 variant allele, 1 heterozygote.
Comment: This missense variant replaces threonine with serine at codon 62 of the TSC1 protein. Computational prediction suggests that this variant may not impact protein structure and function (internally defined REVEL score threshold <= 0.5, PMID: 27666373). To our knowledge, functional studies have not been reported for this variant. This variant has not been reported in individuals affected with TSC1-related disorders in the literature. This variant has not been identified in the general population by the Genome Aggregation Database (gnomAD). The available evidence is insufficient to determine the role of this variant in disease conclusively. Therefore, this variant is classified as a Variant of Uncertain Significance.

This study involves interpretation of variants in research participants for the purpose of population health screening. Participant phenotype was not available at the time of variant classification. Additional details can be found in publication PMID: 35346344, PMCID: PMC8962531

NM_000368.5(TSC1):c.185C>G (p.Thr62Ser)

Gene: TSC1 (TSC complex subunit 1; minus strand). Cytogenetic location: 9q34.13.
Variant type: single nucleotide variant.
Coding change: c.185C>G on transcript NM_000368.5 (MANE Select); coding-DNA position 185, C replaced by G.
Protein change: p.Thr62Ser; replaces threonine 62 with serine.
Molecular consequence: missense variant. On other transcripts: 5 prime UTR variant (9), non-coding transcript variant (4), intron variant (9).
Genome position (GRCh38, 1-based): chr9:132,927,226, G>C on the plus strand (C>G on the coding strand, the complement: TSC1 is on the minus strand). VCF-style: chr9-132927226-G-C. GRCh37 (hg19) VCF-style: chr9-135802613-G-C.
Other names: c.185C>G, p.Thr62Ser (NM_001162426.2, NM_001162427.2, NM_001406592.1 and 21 more transcripts); c.-304C>G (NM_001406615.1, NM_001406623.1); c.-271C>G (NM_001406616.1, NM_001406624.1); c.-693C>G (NM_001406626.1, NM_001406627.1, NM_001406628.1); c.-835C>G (NM_001406629.1); c.-909C>G (NM_001406630.1); c.-153-1487C>G (NM_001406620.1, NM_001406618.1, NM_001406625.1 and 5 more transcripts); c.-245-1487C>G (NM_001406614.1); short protein forms T62S.
Identifiers: ClinVar variation 2882701 (VCV002882701.5), dbSNP rs1846917604, ClinGen allele CA375375075.